The following is an entry in ClinVar:

NM_001195518.2(MICU1):c.339A>G (p.Glu113=)

Gene: MICU1 (mitochondrial calcium uptake 1; minus strand). Cytogenetic location: 10q22.1.
Variant type: single nucleotide variant.
Coding change: c.339A>G on transcript NM_001195518.2 (MANE Select); coding-DNA position 339, A replaced by G.
Protein change: p.Glu113=; no amino-acid change (glutamic acid 113 retained).
Molecular consequence: synonymous variant.
Genome position (GRCh38, 1-based): chr10:72,551,333, T>C on the plus strand (A>G on the coding strand, the complement: MICU1 is on the minus strand). VCF-style: chr10-72551333-T-C. GRCh37 (hg19) VCF-style: chr10-74311091-T-C.
Other names: p.Glu113=; c.339A>G, p.Glu113= (NM_001363513.2, NM_006077.4); c.339A>G (NM_001195518.1).
Identifiers: ClinVar variation 721691 (VCV000721691.12), dbSNP rs143880962, ClinGen allele CA5550292.

ClinVar aggregate classification (germline): Benign/Likely benign. Review status: criteria provided, multiple submitters, no conflicts (2 of 4 stars). 3 submissions from 3 submitters: Benign (1); Likely benign (2). Last evaluated 2026-02-04.

Conditions:
MICU1-related disorder. Also called: MICU1-related condition.

Allele frequency attached by ClinVar (database versions not stated): gnomAD exomes 0.00009 and 0.00024; ExAC 0.00030; 1000 Genomes Project 30x 0.00062; 1000 Genomes Project 0.00080; ESP Exome Variant Server 0.00092; gnomAD 0.00127 and 0.00140; TOPMed 0.00138.
gnomAD v4.1: 336 of 1,604,542 alleles (0.021%); highest among the groups gnomAD compares: African/African-American, 0.39%; 2 homozygotes.

Submissions (3):

PreventionGenetics, part of Exact Sciences
Classification: Likely benign for MICU1-related condition. Last evaluated: 2026-02-04. Review status: criteria provided, single submitter. Criteria: ACMG Guidelines, 2015. Collection method: clinical testing. Allele origin: germline.
Comment: This variant is classified as likely benign based on ACMG/AMP sequence variant interpretation guidelines (Richards et al. 2015 PMID: 25741868, with internal and published modifications).

Labcorp Genetics (formerly Invitae), Labcorp
Classification: Benign. Last evaluated: 2026-01-29. Review status: criteria provided, single submitter. Criteria: Invitae Variant Classification Sherloc (09022015). Collection method: clinical testing. Allele origin: germline.

Mayo Clinic Laboratories, Mayo Clinic
Classification: Likely benign. Last evaluated: 2025-04-21. Review status: criteria provided, single submitter. Criteria: ACMG Guidelines, 2015. Collection method: clinical testing. Allele origin: germline. Observed: 4 variant alleles.
Comment: BS1, BP4, BP7